The following is an entry in ClinVar:

NM_015335.5(MED13L):c.3367T>C (p.Phe1123Leu)

Gene: MED13L (mediator complex subunit 13L; minus strand). Cytogenetic location: 12q24.21.
Variant type: single nucleotide variant.
Coding change: c.3367T>C on transcript NM_015335.5 (MANE Select); coding-DNA position 3367, T replaced by C.
Protein change: p.Phe1123Leu; replaces phenylalanine 1123 with leucine.
Molecular consequence: missense variant.
Genome position (GRCh38, 1-based): chr12:115,991,587, A>G on the plus strand (T>C on the coding strand, the complement: MED13L is on the minus strand). VCF-style: chr12-115991587-A-G. GRCh37 (hg19) VCF-style: chr12-116429392-A-G.
Other names: short protein forms F1123L.
Identifiers: ClinVar variation 4527926 (VCV004527926.1).

ClinVar aggregate classification (germline): Uncertain significance (1 of 4 stars; one submission).

Submission:

GeneDx
Classification: Uncertain significance. Last evaluated: 2025-04-30. Review status: criteria provided, single submitter. Criteria: GeneDx Variant Classification Process June 2021. Collection method: clinical testing. Allele origin: germline. Affected: yes.
Comment: Not observed at significant frequency in large population cohorts (gnomAD); In silico analysis supports that this missense variant has a deleterious effect on protein structure/function; Has not been previously published as pathogenic or benign to our knowledge